The following is an entry in ClinVar:

ClinVar aggregate classification (germline): Uncertain significance (1 of 4 stars; one submission).

Conditions:
Werner syndrome (WRN). Identifiers: Orphanet 902, MedGen C0043119, MONDO:0010196, OMIM 277700.

Allele frequency attached by ClinVar (database versions not stated): gnomAD 0.00001.
gnomAD v4.1: 1 of 1,614,028 alleles (0.000062%); highest among the groups gnomAD compares: Non-Finnish European, 0.000085%; no homozygotes.

Submission:

Labcorp Genetics (formerly Invitae), Labcorp
Classification: Uncertain significance for Werner syndrome. Last evaluated: 2021-10-24. Review status: criteria provided, single submitter. Criteria: Invitae Variant Classification Sherloc (09022015). Collection method: clinical testing. Allele origin: germline.
Comment: In summary, the available evidence is currently insufficient to determine the role of this variant in disease. Therefore, it has been classified as a Variant of Uncertain Significance. Algorithms developed to predict the effect of missense changes on protein structure and function are either unavailable or do not agree on the potential impact of this missense change (SIFT: "Not Available"; PolyPhen-2: "Probably Damaging"; Align-GVGD: "Not Available"). This variant has not been reported in the literature in individuals affected with WRN-related conditions. This variant is present in population databases (no rsID available, gnomAD 0.007%). This sequence change replaces serine, which is neutral and polar, with proline, which is neutral and non-polar, at codon 991 of the WRN protein (p.Ser991Pro).

NM_000553.6(WRN):c.2971T>C (p.Ser991Pro)

Gene: WRN (WRN RecQ like helicase; plus strand). Cytogenetic location: 8p12.
Variant type: single nucleotide variant.
Coding change: c.2971T>C on transcript NM_000553.6 (MANE Select); coding-DNA position 2971, T replaced by C.
Protein change: p.Ser991Pro; replaces serine 991 with proline.
Molecular consequence: missense variant.
Genome position (GRCh38, 1-based): chr8:31,141,433, T>C. VCF-style: chr8-31141433-T-C. GRCh37 (hg19) VCF-style: chr8-30998949-T-C.
Other names: short protein forms S991P.
Identifiers: ClinVar variation 1500128 (VCV001500128.6), dbSNP rs1256461901, ClinGen allele CA370921612.